The following is an entry in ClinVar:

ClinVar aggregate classification (germline): Uncertain significance. Review status: criteria provided, multiple submitters, no conflicts (2 of 4 stars). 2 submissions from 2 submitters: Uncertain significance (2). Last evaluated 2021-01-24.

Conditions:
Charcot-Marie-Tooth disease axonal type 2X. Also called: CHARCOT-MARIE-TOOTH DISEASE, AXONAL, AUTOSOMAL RECESSIVE, TYPE 2X; CHARCOT-MARIE-TOOTH NEUROPATHY, TYPE 2X. Identifiers: Orphanet 466775, MedGen C5569024, MONDO:0014726, OMIM 616668.

gnomAD v4.1: 1 of 1,613,192 alleles (0.000062%); highest among the groups gnomAD compares: Non-Finnish European, 0.000085%; no homozygotes.

Submissions (2):

Dubai Health Genomic Medicine Center, Dubai Health
Classification: Uncertain significance. Last evaluated: 2021-01-24. Review status: criteria provided, single submitter. Criteria: ACMG Guidelines, 2015. Collection method: clinical testing. Allele origin: germline. Affected: yes.
Comment: The p.Leu636Val missense variant in SPG11 has not been previously reported in affected individuals and was absent from large population studies such as the Genome Aggregation Database (gnomAD) and the Greater Middle East (GME) variome database. Computational prediction tools and conservation analysis suggest an impact to protein function though this information is not predictive enough to confirm pathogenicity. In summary more information is needed to fully assess the clinical significance of this variant.

Victorian Clinical Genetics Services, Murdoch Childrens Research Institute
Classification: Uncertain significance for Charcot-Marie-Tooth disease axonal type 2X. Last evaluated: 2020-05-21. Review status: criteria provided, single submitter. Criteria: ACMG Guidelines, 2015. Collection method: clinical testing. Allele origin: germline. Inheritance: Autosomal recessive inheritance. Affected: yes.
Comment: Based on the classification scheme VCGS_Germline_v1.1.1, this variant is classified as 3C-VUS. Following criteria are met: 0102 - Loss-of-function is a known mechanism of disease for this gene. (N) 0106 - This gene is known to be associated with autosomal recessive disease. (N) 0200 - Variant is predicted to result in a missense amino acid change from a leucine to a valine (exon 10). (N) 0252 - Variant is homozygous. (N) 0301 - Variant is absent from gnomAD. (P) 0503 - Missense variant consistently predicted to be tolerated and not conserved in mammals with a minor amino acid change. (B) 0604 - Variant is not located in an established domain, motif, hotspot or informative constraint region. (N) 0705 - No comparable variants have previous evidence for pathogenicity. (N) 0807 - Variant has not previously been reported in a clinical context. (N) 0905 - No segregation evidence has been identified for this variant. (N) 1007 - No published functional evidence has been identified for this variant. (N) 1208 - Inheritance information for this variant is not currently available. (N) Legend: (P) - Pathogenic, (N) - Neutral, (B) - Benign

NM_025137.4(SPG11):c.1906C>G (p.Leu636Val)

Gene: SPG11 (SPG11 vesicle trafficking associated, spatacsin; minus strand). Cytogenetic location: 15q21.1.
Variant type: single nucleotide variant.
Coding change: c.1906C>G on transcript NM_025137.4 (MANE Select); coding-DNA position 1906, C replaced by G.
Protein change: p.Leu636Val; replaces leucine 636 with valine.
Molecular consequence: missense variant.
Genome position (GRCh38, 1-based): chr15:44,628,830, G>C on the plus strand (C>G on the coding strand, the complement: SPG11 is on the minus strand). VCF-style: chr15-44628830-G-C. GRCh37 (hg19) VCF-style: chr15-44921028-G-C.
Other names: c.1906C>G, p.Leu636Val (NM_001160227.2); c.1906C>G (NM_025137.3); short protein forms L636V.
Identifiers: ClinVar variation 1301786 (VCV001301786.3), dbSNP rs145316065, ClinGen allele CA392234405.
Genomic context (GRCh38, chr15:44,628,830, plus strand): 5'-TTATCATGAAGGTTCGAAGTTCATTAATGTAGCTAGTCAAAATGTTCACTCCTTTTTGCA[G>C]ATGTTCATCTAGTTCTATGGAAAATACCAATGTGCCAATTTGTGTGTGTGTGTGTAAATA-3'
Protein context (NP_079413.3, residues 626-646): FIHTEELDEH[Leu636Val]QKGVNILTSY